The following is an entry in ClinVar:

NC_000010.10:g.(?_73405568)_(73406394_?)del

Gene: CDH23 (cadherin related 23; plus strand). Cytogenetic location: 10q22.1.
Variant type: Deletion.
Identifiers: ClinVar variation 3245001 (VCV003245001.1).

ClinVar aggregate classification (germline): Pathogenic (1 of 4 stars; one submission).

Submission:

Labcorp Genetics (formerly Invitae), Labcorp
Classification: Pathogenic. Last evaluated: 2023-07-25. Review status: criteria provided, single submitter. Criteria: Invitae Variant Classification Sherloc (09022015). Collection method: clinical testing. Allele origin: unknown.
Comment: For these reasons, this variant has been classified as Pathogenic. This variant disrupts a region of the CDH23 protein in which other variant(s) (p.Ser384Arg) have been determined to be pathogenic (PMID: 27460420, 34997822). This suggests that this is a clinically significant region of the protein, and that variants that disrupt it are likely to be disease-causing. This variant has not been reported in the literature in individuals affected with CDH23-related conditions. This variant is a gross deletion of the genomic region encompassing exon(s) 13-14 of the CDH23 gene. This variant would be expected to be in-frame, preserving the integrity of the reading frame.

Literature cited by the submitters: PubMed 27460420; PubMed 34997822.